The following is an entry in ClinVar:

NM_203285.2(NECTIN1):c.1318G>T (p.Val440Phe)

Gene: NECTIN1 (nectin cell adhesion molecule 1; minus strand). Cytogenetic location: 11q23.3.
Variant type: single nucleotide variant.
Coding change: c.1318G>T on transcript NM_203285.2; coding-DNA position 1318, G replaced by T.
Protein change: p.Val440Phe; replaces valine 440 with phenylalanine.
Molecular consequence: missense variant.
Genome position (GRCh38, 1-based): chr11:119,638,157, C>A on the plus strand (G>T on the coding strand, the complement: NECTIN1 is on the minus strand). VCF-style: chr11-119638157-C-A. GRCh37 (hg19) VCF-style: chr11-119508867-C-A.
Other names: short protein forms V440F.
Identifiers: ClinVar variation 4981856 (VCV004981856.1).

ClinVar aggregate classification (germline): Uncertain significance (1 of 4 stars; one submission).

Conditions:
NECTIN1-related disorder. Also called: NECTIN1-related condition.

gnomAD v4.1: 96 of 1,613,828 alleles (0.0059%); highest among the groups gnomAD compares: African/African-American, 0.008%; no homozygotes.

Submission:

PreventionGenetics, part of Exact Sciences
Classification: Uncertain significance for NECTIN1-related condition. Last evaluated: 2026-01-04. Review status: criteria provided, single submitter. Criteria: ACMG Guidelines, 2015. Collection method: clinical testing. Allele origin: germline.
Comment: The NECTIN1 c.1318G>T variant is predicted to result in the amino acid substitution p.Val440Phe. To our knowledge, this variant has not been reported in the literature. This variant is reported in 0.016% of alleles in individuals of African descent in gnomAD. At this time, the clinical significance of this variant is uncertain due to the absence of conclusive functional and genetic evidence.